The following is an entry in ClinVar:

NM_003356.4(UCP3):c.772G>A (p.Asp258Asn)

Gene: UCP3 (uncoupling protein 3; minus strand). Cytogenetic location: 11q13.4.
Variant type: single nucleotide variant.
Coding change: c.772G>A on transcript NM_003356.4 (MANE Select); coding-DNA position 772, G replaced by A.
Protein change: p.Asp258Asn; replaces aspartic acid 258 with asparagine.
Molecular consequence: missense variant.
Genome position (GRCh38, 1-based): chr11:74,003,879, C>T on the plus strand (G>A on the coding strand, the complement: UCP3 is on the minus strand). VCF-style: chr11-74003879-C-T. GRCh37 (hg19) VCF-style: chr11-73714924-C-T.
Other names: c.772G>A, p.Asp258Asn (NM_022803.3); short protein forms D258N.
Identifiers: ClinVar variation 3358032 (VCV003358032.3).

ClinVar aggregate classification (germline): Uncertain significance. Review status: criteria provided, multiple submitters, no conflicts (2 of 4 stars). 2 submissions from 2 submitters: Uncertain significance (2). Last evaluated 2026-03-02.

Conditions:
UCP3-related disorder. Also called: UCP3-related condition.

gnomAD v4.1: 21 of 1,613,872 alleles (0.0013%); highest among the groups gnomAD compares: Middle Eastern, 0.033%; no homozygotes.

Submissions (2):

PreventionGenetics, part of Exact Sciences
Classification: Uncertain significance for UCP3-related condition. Last evaluated: 2026-03-02. Review status: criteria provided, single submitter. Criteria: ACMG Guidelines, 2015. Collection method: clinical testing. Allele origin: germline.
Comment: The UCP3 c.772G>A variant is predicted to result in the amino acid substitution p.Asp258Asn. To our knowledge, this variant has not been reported in the literature. This variant is reported in 0.018% of alleles in individuals of African descent in gnomAD. At this time, the clinical significance of this variant is uncertain due to the absence of conclusive functional and genetic evidence.

Ambry Genetics
Classification: Uncertain significance. Last evaluated: 2024-09-01. Review status: criteria provided, single submitter. Criteria: Ambry Variant Classification Scheme 2023. Collection method: clinical testing. Allele origin: germline.